The following is an entry in ClinVar:

ClinVar aggregate classification (germline): Uncertain significance (1 of 4 stars; one submission).

Submission:

Labcorp Genetics (formerly Invitae), Labcorp
Classification: Uncertain significance. Last evaluated: 2024-02-15. Review status: criteria provided, single submitter. Criteria: Invitae Variant Classification Sherloc (09022015). Collection method: clinical testing. Allele origin: germline.
Comment: This sequence change replaces valine, which is neutral and non-polar, with alanine, which is neutral and non-polar, at codon 234 of the FOCAD protein (p.Val234Ala). This variant is not present in population databases (gnomAD no frequency). This variant has not been reported in the literature in individuals affected with FOCAD-related conditions. Experimental studies and prediction algorithms are not available or were not evaluated, and the functional significance of this variant is currently unknown. In summary, the available evidence is currently insufficient to determine the role of this variant in disease. Therefore, it has been classified as a Variant of Uncertain Significance.

NM_001375567.1(FOCAD):c.701T>C (p.Val234Ala)

Gene: FOCAD (focadhesin; plus strand). Cytogenetic location: 9p21.3.
Variant type: single nucleotide variant.
Coding change: c.701T>C on transcript NM_001375567.1 (MANE Select); coding-DNA position 701, T replaced by C.
Protein change: p.Val234Ala; replaces valine 234 with alanine.
Molecular consequence: missense variant.
Genome position (GRCh38, 1-based): chr9:20,770,033, T>C. VCF-style: chr9-20770033-T-C. GRCh37 (hg19) VCF-style: chr9-20770032-T-C.
Other names: c.701T>C, p.Val234Ala (NM_001375568.1, NM_017794.5); c.596T>C, p.Val199Ala (NM_001375570.1); short protein forms V234A, V199A.
Identifiers: ClinVar variation 3641062 (VCV003641062.2).
Genomic context (GRCh38, chr9:20,770,033, plus strand): 5'-TTAAAATTATCTTTTGGTTTGTGTATTTTTTAATATCATATAATGACTTTTTTAAACAGG[T>C]AAAAGATTTGATACAGACAACAGAGGCGATGATGTTTATTGAGGAAGTATGTTTAAGCCT-3'
Protein context (NP_001362496.1, residues 224-244): LCCDIVPCLQ[Val234Ala]KDLIQTTEAM